The following is an entry in ClinVar:

ClinVar aggregate classification (germline): Uncertain significance (1 of 4 stars; one submission).

Submission:

Labcorp Genetics (formerly Invitae), Labcorp
Classification: Uncertain significance. Last evaluated: 2025-07-23. Review status: criteria provided, single submitter. Criteria: Invitae Variant Classification Sherloc (09022015). Collection method: clinical testing. Allele origin: germline.
Comment: This sequence change replaces cysteine, which is neutral and slightly polar, with serine, which is neutral and polar, at codon 85 of the ADGRE2 protein (p.Cys85Ser). This variant is not present in population databases (gnomAD no frequency). This variant has not been reported in the literature in individuals affected with ADGRE2-related conditions. An algorithm developed to predict the effect of missense changes on protein structure and function (PolyPhen-2) suggests that this variant is likely to be disruptive. In summary, the available evidence is currently insufficient to determine the role of this variant in disease. Therefore, it has been classified as a Variant of Uncertain Significance.

NM_013447.4(ADGRE2):c.254G>C (p.Cys85Ser)

Gene: ADGRE2 (adhesion G protein-coupled receptor E2; minus strand). Cytogenetic location: 19p13.12.
Variant type: single nucleotide variant.
Coding change: c.254G>C on transcript NM_013447.4 (MANE Select); coding-DNA position 254, G replaced by C.
Protein change: p.Cys85Ser; replaces cysteine 85 with serine.
Molecular consequence: missense variant.
Genome position (GRCh38, 1-based): chr19:14,772,443, C>G on the plus strand (G>C on the coding strand, the complement: ADGRE2 is on the minus strand). VCF-style: chr19-14772443-C-G. GRCh37 (hg19) VCF-style: chr19-14883255-C-G.
Other names: c.254G>C, p.Cys85Ser (NM_001271052.1, NM_152916.2, NM_152917.2); short protein forms C85S.
Identifiers: ClinVar variation 4723308 (VCV004723308.1).